The following is an entry in ClinVar:

ClinVar aggregate classification (germline): Likely benign. Review status: criteria provided, single submitter (1 of 4 stars). 2 submissions from 2 submitters: Likely benign (1). 1 of the submissions does not count toward it. Last evaluated 2025-11-08.

Conditions:
ALDH6A1-related disorder. Also called: ALDH6A1-related condition.

Allele frequency attached by ClinVar (database versions not stated): TOPMed 0.00037; ExAC 0.00043; ESP Exome Variant Server 0.00015; gnomAD exomes 0.00021 and 0.00031; gnomAD 0.00034 and 0.00037.
gnomAD v4.1: 358 of 1,607,652 alleles (0.022%); highest among the groups gnomAD compares: South Asian, 0.077%; 1 homozygote.

Submissions (2):

Labcorp Genetics (formerly Invitae), Labcorp
Classification: Likely benign. Last evaluated: 2025-11-08. Review status: criteria provided, single submitter. Criteria: Invitae Variant Classification Sherloc (09022015). Collection method: clinical testing. Allele origin: germline.

PreventionGenetics, part of Exact Sciences
Classification: Likely benign for ALDH6A1-related condition. Last evaluated: 2019-08-01. Review status: no assertion criteria provided. Collection method: clinical testing. Allele origin: germline. Not counted in ClinVar's aggregate classification.
Comment: This variant is classified as likely benign based on ACMG/AMP sequence variant interpretation guidelines (Richards et al. 2015 PMID: 25741868, with internal and published modifications).

NM_005589.4(ALDH6A1):c.112-7T>G

Genes: ALDH6A1 (aldehyde dehydrogenase 6 family member A1; minus strand), BBOF1 (basal body orientation factor 1; plus strand). Cytogenetic location: 14q24.3.
Variant type: single nucleotide variant.
Coding change: c.112-7T>G on transcript NM_005589.4 (MANE Select); 7 bases into the intron before coding-DNA position 112, T replaced by G.
Molecular consequence: intron variant.
Genome position (GRCh38, 1-based): chr14:74,072,618, A>C on the plus strand (T>G on the coding strand, the complement: ALDH6A1 is on the minus strand). VCF-style: chr14-74072618-A-C. GRCh37 (hg19) VCF-style: chr14-74539321-A-C.
Other names: c.112-7T>G (NM_001278593.2); c.-514-7T>G (NM_001278594.2).
Identifiers: ClinVar variation 744327 (VCV000744327.11), dbSNP rs369474630, ClinGen allele CA7265935.